The following is an entry in ClinVar:

ClinVar aggregate classification (germline): Uncertain significance (1 of 4 stars; one submission).

Conditions:
Charcot-Marie-Tooth disease type 2. Also called: Charcot-Marie-Tooth type 2. Identifiers: Orphanet 64746, MedGen C0270914, MONDO:0018993.

Allele frequency attached by ClinVar (database versions not stated): gnomAD exomes below 0.00001; ExAC 0.00001.
gnomAD v4.1: 1 of 1,612,808 alleles (0.000062%); highest among the groups gnomAD compares: Non-Finnish European, 0.000085%; no homozygotes.

Submission:

Labcorp Genetics (formerly Invitae), Labcorp
Classification: Uncertain significance for Charcot-Marie-Tooth disease type 2. Last evaluated: 2025-03-31. Review status: criteria provided, single submitter. Criteria: Invitae Variant Classification Sherloc (09022015). Collection method: clinical testing. Allele origin: germline.
Comment: This sequence change replaces proline, which is neutral and non-polar, with leucine, which is neutral and non-polar, at codon 637 of the MED25 protein (p.Pro637Leu). This variant is present in population databases (rs764747321, gnomAD 0.0009%). This variant has not been reported in the literature in individuals affected with MED25-related conditions. ClinVar contains an entry for this variant (Variation ID: 649926). An algorithm developed to predict the effect of missense changes on protein structure and function (PolyPhen-2) suggests that this variant is likely to be tolerated. In summary, the available evidence is currently insufficient to determine the role of this variant in disease. Therefore, it has been classified as a Variant of Uncertain Significance.

NM_030973.4(MED25):c.1910C>T (p.Pro637Leu)

Gene: MED25 (mediator complex subunit 25; plus strand). Cytogenetic location: 19q13.33.
Variant type: single nucleotide variant.
Coding change: c.1910C>T on transcript NM_030973.4 (MANE Select); coding-DNA position 1910, C replaced by T.
Protein change: p.Pro637Leu; replaces proline 637 with leucine.
Molecular consequence: missense variant.
Genome position (GRCh38, 1-based): chr19:49,835,890, C>T. VCF-style: chr19-49835890-C-T. GRCh37 (hg19) VCF-style: chr19-50339147-C-T.
Other names: c.1910C>T, p.Pro637Leu (NM_001378355.1); short protein forms P637L.
Identifiers: ClinVar variation 649926 (VCV000649926.8), dbSNP rs764747321, ClinGen allele CA9585411.